The following is an entry in ClinVar:

NM_001110556.2(FLNA):c.4755G>A (p.Thr1585=)

Gene: FLNA (filamin A; minus strand). Cytogenetic location: Xq28.
Variant type: single nucleotide variant.
Coding change: c.4755G>A on transcript NM_001110556.2 (MANE Select); coding-DNA position 4755, G replaced by A.
Protein change: p.Thr1585=; no amino-acid change (threonine 1585 retained).
Molecular consequence: synonymous variant.
Genome position (GRCh38, 1-based): chrX:154,358,199, C>T on the plus strand (G>A on the coding strand, the complement: FLNA is on the minus strand). VCF-style: chrX-154358199-C-T. GRCh37 (hg19) VCF-style: chrX-153586567-C-T.
Other names: c.4755G>A, p.Thr1585= (NM_001456.4).
Identifiers: ClinVar variation 1435482 (VCV001435482.7), dbSNP rs371787377, ClinGen allele CA10560482.

ClinVar aggregate classification (germline): Uncertain significance (1 of 4 stars; one submission).

Conditions:
Melnick-Needles syndrome (MNS). Also called: MELNICK-NEEDLES OSTEODYSPLASTY; Melnick-Needles Syndrome (FLNA-MNS); OSTEODYSPLASTY OF MELNICK AND NEEDLES. Identifiers: Orphanet 2484, MedGen C0025237, MONDO:0010650, OMIM 309350.
Frontometaphyseal dysplasia (FMD1). Identifiers: Orphanet 1826, MedGen C0265293, MONDO:0015942.
Heterotopia, periventricular, X-linked dominant (PVNH1). Also called: PERIVENTRICULAR NODULAR HETEROTOPIA 1; X-linked periventricular heterotopia; PERIVENTRICULAR NODULAR HETEROTOPIA 4; HETEROTOPIA, PERIVENTRICULAR, 1. Identifiers: Orphanet 2149, Orphanet 82004, MedGen C1848213, MONDO:0010233, OMIM 300049.
Oto-palato-digital syndrome, type II (OPD2). Also called: FACIOPALATOOSSEOUS SYNDROME; Otopalatodigital Syndrome Type 2 (FLNA-OPD2); OPD II SYNDROME; Otopalatodigital Syndrome, Type II. Identifiers: Orphanet 669, Orphanet 90652, MedGen C1844696, MONDO:0010571, OMIM 304120.

Allele frequency attached by ClinVar (database versions not stated): TOPMed below 0.00001; ExAC 0.00001; gnomAD 0.00001; gnomAD exomes 0.00001; ESP Exome Variant Server 0.00010.
gnomAD v4.1: 14 of 1,209,015 alleles (0.0012%); highest among the groups gnomAD compares: Admixed American, 0.0022%; no homozygotes.

Submissions (2):

Labcorp Genetics (formerly Invitae), Labcorp
Classification: Uncertain significance for Oto-palato-digital syndrome, type II; Heterotopia, periventricular, X-linked dominant; Frontometaphyseal dysplasia; Melnick-Needles syndrome. Last evaluated: 2025-10-14. Review status: criteria provided, single submitter. Criteria: Invitae Variant Classification Sherloc (09022015). Collection method: clinical testing. Allele origin: germline.
Comment: This sequence change affects codon 1585 of the FLNA mRNA. It is a 'silent' change, meaning that it does not change the encoded amino acid sequence of the FLNA protein. This variant also falls at the last nucleotide of exon 28, which is part of the consensus splice site for this exon. This variant is present in population databases (rs371787377, gnomAD 0.001%). This variant has not been reported in the literature in individuals affected with FLNA-related conditions. ClinVar contains an entry for this variant (Variation ID: 1435482). Variants that disrupt the consensus splice site are a relatively common cause of aberrant splicing (PMID: 17576681, 9536098). Algorithms developed to predict the effect of sequence changes on RNA splicing suggest that this variant is not likely to affect RNA splicing. In summary, the available evidence is currently insufficient to determine the role of this variant in disease. Therefore, it has been classified as a Variant of Uncertain Significance.

Dr. Peter K. Rogan Lab, Western University
No classification provided (evidence only). Condition: Thyroid cancer, nonmedullary, 1. Review status: no classification provided. Collection method: in vitro. Allele origin: not applicable. Functional consequence: retained intron. Not counted in ClinVar's aggregate classification.

Literature cited by the submitters: PubMed 17576681 (cited by Labcorp Genetics (formerly Invitae), Labcorp); PubMed 9536098 (cited by Labcorp Genetics (formerly Invitae), Labcorp).